The following is an entry in ClinVar:

NM_000179.3(MSH6):c.3867C>G (p.Phe1289Leu)

Gene: MSH6 (mutS homolog 6; plus strand). Cytogenetic location: 2p16.3.
Variant type: single nucleotide variant.
Coding change: c.3867C>G on transcript NM_000179.3 (MANE Select); coding-DNA position 3867, C replaced by G.
Protein change: p.Phe1289Leu; replaces phenylalanine 1289 with leucine.
Molecular consequence: missense variant.
Genome position (GRCh38, 1-based): chr2:47,806,517, C>G. VCF-style: chr2-47806517-C-G. GRCh37 (hg19) VCF-style: chr2-48033656-C-G.
Other names: c.3477C>G, p.Phe1159Leu (NM_001281492.2); c.2961C>G, p.Phe987Leu (NM_001281493.2, NM_001281494.2); short protein forms F1289L, F1159L, F987L.
Identifiers: ClinVar variation 237200 (VCV000237200.10), dbSNP rs878853740, ClinGen allele CA10582091.

ClinVar aggregate classification (germline): Uncertain significance (1 of 4 stars; one submission).

Conditions:
Hereditary nonpolyposis colorectal neoplasms. Identifiers: MedGen C0009405, MeSH D003123.

Submission:

Labcorp Genetics (formerly Invitae), Labcorp
Classification: Uncertain significance for Hereditary nonpolyposis colorectal neoplasms. Last evaluated: 2016-03-05. Review status: criteria provided, single submitter. Criteria: Invitae Variant Classification Sherloc (09022015). Collection method: clinical testing. Allele origin: germline.
Comment: This sequence change replaces phenylalanine with leucine at codon 1289 of the MSH6 protein (p.Phe1289Leu). The phenylalanine residue is highly conserved and there is a small physicochemical difference between phenylalanine and leucine. This variant is not present in population databases (ExAC no frequency) and has not been reported in the literature in individuals with a MSH6-related disease. Algorithms developed to predict the effect of missense changes on protein structure and function do not agree on the potential impact of this missense change (SIFT: "Tolerated"; PolyPhen-2: "Probably Damaging"; Align-GVGD: "Class C0"). In summary, this variant is a novel missense change with uncertain impact on protein function. It has been classified as a Variant of Uncertain Significance.